The following is an entry in ClinVar:

ClinVar aggregate classification (germline): Likely benign (0 of 4 stars; one submission).

Conditions:
ARX-related disorder. Also called: ARX-Related Disorders; ARX-related condition. Identifiers: MedGen CN378769.

Submission:

PreventionGenetics, part of Exact Sciences
Classification: Likely benign for ARX-related condition. Last evaluated: 2020-04-06. Review status: no assertion criteria provided. Collection method: clinical testing. Allele origin: germline.
Comment: This variant is classified as likely benign based on ACMG/AMP sequence variant interpretation guidelines (Richards et al. 2015 PMID: 25741868, with internal and published modifications).

NM_139058.3(ARX):c.456C>T (p.Ala152=)

Genes: ARX (aristaless related homeobox; minus strand), LOC109610631 (aristaless related homeobox polyalanine expansion region; plus strand). Cytogenetic location: Xp21.3.
Variant type: single nucleotide variant.
Coding change: c.456C>T on transcript NM_139058.3 (MANE Select); coding-DNA position 456, C replaced by T.
Protein change: p.Ala152=; no amino-acid change (alanine 152 retained).
Molecular consequence: synonymous variant.
Genome position (GRCh38, 1-based): chrX:25,013,539, G>A on the plus strand (C>T on the coding strand, the complement: ARX is on the minus strand). VCF-style: chrX-25013539-G-A. GRCh37 (hg19) VCF-style: chrX-25031656-G-A.
Identifiers: ClinVar variation 3055442 (VCV003055442.2), dbSNP rs2048712208, ClinGen allele CA515947666.